The following is an entry in ClinVar:

ClinVar aggregate classification (germline): Likely benign. Review status: criteria provided, multiple submitters, no conflicts (2 of 4 stars). 3 submissions from 3 submitters: Likely benign (3). Last evaluated 2025-07-16.

Conditions:
Inborn genetic diseases. Identifiers: MedGen C0950123, MeSH D030342.
Nance-Horan syndrome (NHS). Identifiers: Orphanet 627, MedGen C0796085, MONDO:0010545, OMIM 302350.
NHS-related disorder. Also called: NHS-related condition.

Allele frequency attached by ClinVar (database versions not stated): 1000 Genomes Project 30x 0.00062; gnomAD exomes 0.00002 and 0.00005; ExAC 0.00005; gnomAD 0.00014 and 0.00015; TOPMed 0.00041; 1000 Genomes Project 0.00053.
gnomAD v4.1: 36 of 1,209,622 alleles (0.003%); highest among the groups gnomAD compares: African/African-American, 0.033%; no homozygotes.

Submissions (3):

PreventionGenetics, part of Exact Sciences
Classification: Likely benign for NHS-related condition. Last evaluated: 2025-07-16. Review status: criteria provided, single submitter. Criteria: ACMG Guidelines, 2015. Collection method: clinical testing. Allele origin: germline.
Comment: This variant is classified as likely benign based on ACMG/AMP sequence variant interpretation guidelines (Richards et al. 2015 PMID: 25741868, with internal and published modifications).

Labcorp Genetics (formerly Invitae), Labcorp
Classification: Likely benign for Nance-Horan syndrome. Last evaluated: 2024-09-22. Review status: criteria provided, single submitter. Criteria: Invitae Variant Classification Sherloc (09022015). Collection method: clinical testing. Allele origin: germline.

Ambry Genetics
Classification: Likely benign for Inborn genetic diseases. Last evaluated: 2021-09-01. Review status: criteria provided, single submitter. Criteria: Ambry Variant Classification Scheme 2023. Collection method: clinical testing. Allele origin: germline.

NM_001291867.2(NHS):c.1723A>G (p.Lys575Glu)

Gene: NHS (NHS actin remodeling regulator; plus strand). Cytogenetic location: Xp22.13.
Variant type: single nucleotide variant.
Coding change: c.1723A>G on transcript NM_001291867.2 (MANE Select); coding-DNA position 1723, A replaced by G.
Protein change: p.Lys575Glu; replaces lysine 575 with glutamic acid.
Molecular consequence: missense variant.
Genome position (GRCh38, 1-based): chrX:17,725,829, A>G. VCF-style: chrX-17725829-A-G. GRCh37 (hg19) VCF-style: chrX-17743949-A-G.
Other names: c.1192A>G, p.Lys398Glu (NM_001136024.4); c.1129A>G, p.Lys377Glu (NM_001291868.2); c.1660A>G, p.Lys554Glu (NM_198270.4); c.1660A>G (NM_198270.3); short protein forms K554E, K575E, K398E, K377E.
Identifiers: ClinVar variation 589579 (VCV000589579.11), dbSNP rs199789055, ClinGen allele CA10358650.